The following is an entry in ClinVar:

NM_030780.5(SLC25A32):c.790G>C (p.Asp264His)

Gene: SLC25A32 (solute carrier family 25 member 32; minus strand). Cytogenetic location: 8q22.3.
Variant type: single nucleotide variant.
Coding change: c.790G>C on transcript NM_030780.5 (MANE Select); coding-DNA position 790, G replaced by C.
Protein change: p.Asp264His; replaces aspartic acid 264 with histidine.
Molecular consequence: missense variant. On other transcripts: non-coding transcript variant (2).
Genome position (GRCh38, 1-based): chr8:103,401,538, C>G on the plus strand (G>C on the coding strand, the complement: SLC25A32 is on the minus strand). VCF-style: chr8-103401538-C-G. GRCh37 (hg19) VCF-style: chr8-104413766-C-G.
Other names: short protein forms D264H.
Identifiers: ClinVar variation 4777144 (VCV004777144.1).

ClinVar aggregate classification (germline): Uncertain significance (1 of 4 stars; one submission).

Submission:

Labcorp Genetics (formerly Invitae), Labcorp
Classification: Uncertain significance. Last evaluated: 2025-09-12. Review status: criteria provided, single submitter. Criteria: Invitae Variant Classification Sherloc (09022015). Collection method: clinical testing. Allele origin: germline.
Comment: This sequence change replaces aspartic acid, which is acidic and polar, with histidine, which is basic and polar, at codon 264 of the SLC25A32 protein (p.Asp264His). This variant is not present in population databases (gnomAD no frequency). This variant has not been reported in the literature in individuals affected with SLC25A32-related conditions. Invitae Evidence Modeling of protein sequence and biophysical properties (such as structural, functional, and spatial information, amino acid conservation, physicochemical variation, residue mobility, and thermodynamic stability) indicates that this missense variant is not expected to disrupt SLC25A32 protein function with a negative predictive value of 80%. In summary, the available evidence is currently insufficient to determine the role of this variant in disease. Therefore, it has been classified as a Variant of Uncertain Significance.